The following is an entry in ClinVar:

NM_003072.5(SMARCA4):c.1245G>A (p.Gln415=)

Gene: SMARCA4 (SWI/SNF related BAF chromatin remodeling complex subunit ATPase 4; plus strand). Cytogenetic location: 19p13.2.
Variant type: single nucleotide variant.
Coding change: c.1245G>A on transcript NM_003072.5 (MANE Select); coding-DNA position 1245, G replaced by A.
Protein change: p.Gln415=; no amino-acid change (glutamine 415 retained).
Molecular consequence: synonymous variant. On other transcripts: non-coding transcript variant (1).
Genome position (GRCh38, 1-based): chr19:10,989,443, G>A. VCF-style: chr19-10989443-G-A. GRCh37 (hg19) VCF-style: chr19-11100119-G-A.
Other names: c.1245G>A, p.Gln415= (NM_001128844.3, NM_001128845.2, NM_001128846.2 and 5 more transcripts).
Identifiers: ClinVar variation 1400925 (VCV001400925.6), dbSNP rs2145850376, ClinGen allele CA505489942.

ClinVar aggregate classification (germline): Uncertain significance (1 of 4 stars; one submission).

Conditions:
Rhabdoid tumor predisposition syndrome 2 (RTPS2). Identifiers: Orphanet 231108, Orphanet 69077, MedGen C2750074, MONDO:0013224, OMIM 613325.

Submission:

Labcorp Genetics (formerly Invitae), Labcorp
Classification: Uncertain significance for Rhabdoid tumor predisposition syndrome 2. Last evaluated: 2022-08-29. Review status: criteria provided, single submitter. Criteria: Invitae Variant Classification Sherloc (09022015). Collection method: clinical testing. Allele origin: germline.
Comment: Variants that disrupt the consensus splice site are a relatively common cause of aberrant splicing (PMID: 17576681, 9536098). Algorithms developed to predict the effect of sequence changes on RNA splicing suggest that this variant may disrupt the consensus splice site. In summary, the available evidence is currently insufficient to determine the role of this variant in disease. Therefore, it has been classified as a Variant of Uncertain Significance. This sequence change affects codon 415 of the SMARCA4 mRNA. It is a 'silent' change, meaning that it does not change the encoded amino acid sequence of the SMARCA4 protein. This variant also falls at the last nucleotide of exon 7, which is part of the consensus splice site for this exon. This variant is not present in population databases (gnomAD no frequency). This variant has not been reported in the literature in individuals affected with SMARCA4-related conditions. ClinVar contains an entry for this variant (Variation ID: 1400925).

Literature cited by the submitters: PubMed 17576681; PubMed 9536098.